The following is an entry in ClinVar:

ClinVar aggregate classification (germline): Likely pathogenic (1 of 4 stars; one submission).

Conditions:
Ellis-van Creveld syndrome (EVC). Also called: EVC-Related Ellis-van Creveld Syndrome; EVC2-Related Ellis-van Creveld Syndrome; MESOECTODERMAL DYSPLASIA; Chondroectodermal dysplasia. Identifiers: Orphanet 289, MedGen C0013903, MONDO:0009162, OMIM 225500.

Submission:

Myriad Genetics, Inc.
Classification: Likely pathogenic for Ellis-van Creveld syndrome. Last evaluated: 2022-01-02. Review status: criteria provided, single submitter. Criteria: Myriad Women's Health Autosomal Recessive and X-Linked Classification Criteria (2021). Collection method: clinical testing. Allele origin: unknown.
Comment: NM_147127.4(EVC2):c.3411delC(T1138Rfs*6) is expected to be pathogenic in the context of EVC2-related Ellis-van Creveld syndrome. This variant is predicted to lead to an abnormal or absent protein product due to the creation of a premature termination codon in EVC2, a gene where loss-of-function variants are known to be pathogenic. Please note: this variant was assessed in the context of healthy population screening.

NM_147127.5(EVC2):c.3411del (p.Thr1138fs)

Gene: EVC2 (EvC ciliary complex subunit 2; minus strand). Cytogenetic location: 4p16.2.
Variant type: Deletion.
Coding change: c.3411del on transcript NM_147127.5 (MANE Select); coding-DNA position 3411, one base deleted (C; older notation c.3411delC).
Protein change: p.Thr1138fs; shifts the reading frame from threonine 1138.
Molecular consequence: frameshift variant.
Genome position (GRCh38, 1-based): chr4:5,568,590, G deleted on the plus strand (C on the coding strand, the reverse complement: EVC2 is on the minus strand); the first of 2 consecutive G bases (chr4:5,568,590-5,568,591); deleting either gives the same sequence. VCF-style (leftmost placement, unchanged base first): chr4-5568589-TG-T. GRCh37 (hg19) VCF-style: chr4-5570316-TG-T.
Other names: c.3171del, p.Thr1058fs (NM_001166136.2); short protein forms T1058fs, T1138fs.
Identifiers: ClinVar variation 1726920 (VCV001726920.2), dbSNP rs2475184249, ClinGen allele CA2580070829.